The following is an entry in ClinVar:

ClinVar aggregate classification (germline): Likely benign (1 of 4 stars; one submission).

Allele frequency attached by ClinVar (database versions not stated): TOPMed 0.00342; 1000 Genomes Project 30x 0.00344; ESP Exome Variant Server 0.00346; 1000 Genomes Project 0.00359; gnomAD 0.00393; ExAC 0.00429; gnomAD exomes 0.00551.
gnomAD v4.1: 8,570 of 1,613,992 alleles (0.53%); highest among the groups gnomAD compares: East Asian, 1.1%; 28 homozygotes.

Submission:

CeGaT Center for Human Genetics Tuebingen
Classification: Likely benign. Last evaluated: 2022-12-01. Review status: criteria provided, single submitter. Criteria: CeGaT Center For Human Genetics Tuebingen Variant Classification Criteria Version 2. Collection method: clinical testing. Allele origin: germline. Affected: yes. Observed: 1 variant allele.
Comment: PCDHA1: PP3, BS2

NM_018900.4(PCDHA1):c.1345A>C (p.Asn449His)

Genes: PCDHA1 (protocadherin alpha 1; plus strand), PCDHA@ (protocadherin alpha cluster, complex locus; plus strand). Cytogenetic location: 5q31.3.
Variant type: single nucleotide variant.
Coding change: c.1345A>C on transcript NM_018900.4 (MANE Select); coding-DNA position 1345, A replaced by C.
Protein change: p.Asn449His; replaces asparagine 449 with histidine.
Molecular consequence: missense variant.
Genome position (GRCh38, 1-based): chr5:140,787,635, A>C. VCF-style: chr5-140787635-A-C. GRCh37 (hg19) VCF-style: chr5-140167220-A-C.
Other names: c.1345A>C, p.Asn449His (NM_031411.3, NM_031410.3); short protein forms N449H.
Identifiers: ClinVar variation 2655745 (VCV002655745.24), dbSNP rs3733712, ClinGen allele CA3445222.